The following is an entry in ClinVar:

NM_021728.4(OTX2):c.226C>T (p.Arg76Ter)

Gene: OTX2 (orthodenticle homeobox 2; minus strand). Cytogenetic location: 14q22.3.
Variant type: single nucleotide variant.
Coding change: c.226C>T on transcript NM_021728.4 (MANE Select); coding-DNA position 226, C replaced by T.
Protein change: p.Arg76Ter; replaces arginine 76 with a stop codon.
Molecular consequence: nonsense.
Genome position (GRCh38, 1-based): chr14:56,804,235, G>A on the plus strand (C>T on the coding strand, the complement: OTX2 is on the minus strand). VCF-style: chr14-56804235-G-A. GRCh37 (hg19) VCF-style: chr14-57270953-G-A.
Other names: c.202C>T, p.Arg68Ter (NM_001270523.2, NM_001270524.2, NM_172337.3); c.226C>T, p.Arg76Ter (NM_001270525.2); short protein forms R68*, R76*.
Identifiers: ClinVar variation 280496 (VCV000280496.6), dbSNP rs773157352, ClinGen allele CA10603418.

ClinVar aggregate classification (germline): Pathogenic. Review status: criteria provided, multiple submitters, no conflicts (2 of 4 stars). 3 submissions from 3 submitters: Pathogenic (3). Last evaluated 2025-10-09.

Conditions:
Anophthalmia-microphthalmia syndrome. Also called: Anophthalmia/Microphthalmia; Anophthalmia - microphthalmia. Identifiers: Orphanet 98555, MedGen C5680330, MONDO:0020147.
Inborn genetic diseases. Identifiers: MedGen C0950123, MeSH D030342.

Submissions (3):

Labcorp Genetics (formerly Invitae), Labcorp
Classification: Pathogenic for Anophthalmia-microphthalmia syndrome. Last evaluated: 2025-10-09. Review status: criteria provided, single submitter. Criteria: Invitae Variant Classification Sherloc (09022015). Collection method: clinical testing. Allele origin: germline.
Comment: This sequence change creates a premature translational stop signal (p.Arg68*) in the OTX2 gene. It is expected to result in an absent or disrupted protein product. Loss-of-function variants in OTX2 are known to be pathogenic (PMID: 15846561, 20486942, 22577225, 24167467). This variant is not present in population databases (gnomAD no frequency). This variant has not been reported in the literature in individuals affected with OTX2-related conditions. ClinVar contains an entry for this variant (Variation ID: 280496). For these reasons, this variant has been classified as Pathogenic.

Ambry Genetics
Classification: Pathogenic for Inborn genetic diseases. Last evaluated: 2024-12-02. Review status: criteria provided, single submitter. Criteria: Ambry Variant Classification Scheme 2023. Collection method: clinical testing. Allele origin: germline.
Comment: The c.202C>T (p.R68*) alteration, located in exon 2 (coding exon 2) of the OTX2 gene, consists of a C to T substitution at nucleotide position 202. This changes the amino acid from an arginine (R) to a stop codon at amino acid position 68. This alteration occurs in the last exon of the OTX2 gene, is not expected to trigger nonsense-mediated mRNA decay, and impacts the last 77% of the protein. Premature stop codons are typically deleterious in nature, the impacted region is critical for protein function, and a significant portion of the protein is affected (Ambry internal data). This variant was not reported in population-based cohorts in the Genome Aggregation Database (gnomAD). Based on the available evidence, this alteration is classified as pathogenic.

GeneDx
Classification: Pathogenic. Last evaluated: 2016-04-12. Review status: criteria provided, single submitter. Criteria: GeneDx Variant Classification (06012015). Collection method: clinical testing. Allele origin: germline. Affected: yes.
Comment: The R76X pathogenic variant in the OTX2 gene has not been reported previously as a pathogenic variant nor as a benign variant, to our knowledge. This variant is predicted to cause loss of normal protein function either through protein truncation or nonsense-mediated mRNA decay. The R76X variant was not observed in approximately 6,500 individuals of European and African American ancestry in the NHLBI Exome Sequencing Project, indicating it is not a common benign variant in these populations. We interpret R76X as a pathogenic variant.

Literature cited by the submitters: PubMed 15846561 (cited by Labcorp Genetics (formerly Invitae), Labcorp); PubMed 20486942 (cited by Labcorp Genetics (formerly Invitae), Labcorp); PubMed 22577225 (cited by Labcorp Genetics (formerly Invitae), Labcorp); PubMed 24167467 (cited by Labcorp Genetics (formerly Invitae), Labcorp).